The following is an entry in ClinVar:

NM_000443.4(ABCB4):c.879del (p.Ala294fs)

Gene: ABCB4 (ATP binding cassette subfamily B member 4; minus strand). Cytogenetic location: 7q21.12.
Variant type: Deletion.
Coding change: c.879del on transcript NM_000443.4 (MANE Select); coding-DNA position 879, one base deleted (A; older notation c.879delA).
Protein change: p.Ala294fs; shifts the reading frame from alanine 294.
Molecular consequence: frameshift variant.
Genome position (GRCh38, 1-based): chr7:87,447,160, T deleted on the plus strand (A on the coding strand, the reverse complement: ABCB4 is on the minus strand); the first of 6 consecutive T bases (chr7:87,447,160-87,447,165); deleting any one gives the same sequence. VCF-style (leftmost placement, unchanged base first): chr7-87447159-CT-C. GRCh37 (hg19) VCF-style: chr7-87076475-CT-C.
Other names: c.879delA (NM_000443.3); c.879del, p.Ala294fs (NM_018849.3, NM_018850.3); short protein forms A294fs.
Identifiers: ClinVar variation 597760 (VCV000597760.13), dbSNP rs1326932143, ClinGen allele CA645543507.

ClinVar aggregate classification (germline): Pathogenic. Review status: criteria provided, multiple submitters, no conflicts (2 of 4 stars). 6 submissions from 6 submitters: Pathogenic (5). 1 of the submissions does not count toward it. Last evaluated 2026-05-26.

Conditions:
ABCB4-related disorder. Also called: ABCB4-related disorders; ABCB4-related condition.
Progressive familial intrahepatic cholestasis type 3. Also called: Low Gamma-GT Familial Intrahepatic Cholestasis; MDR3 DEFICIENCY. Identifiers: Orphanet 79305, MedGen C1865643, MONDO:0011214, OMIM 602347.
Cholestasis, intrahepatic, of pregnancy, 3. Identifiers: Orphanet 69665, MedGen C3554241, MONDO:0013995, OMIM 614972.
Low phospholipid associated cholelithiasis (GBD1). Also called: Gallbladder disease 1; Gallstone cholecystitis. Identifiers: Orphanet 69663, MedGen C2609268, MONDO:0010939, OMIM 600803.

Submissions (6):

PreventionGenetics, part of Exact Sciences
Classification: Pathogenic for ABCB4-related condition. Last evaluated: 2026-05-26. Review status: criteria provided, single submitter. Criteria: ACMG Guidelines, 2015. Collection method: clinical testing. Allele origin: germline.
Comment: The ABCB4 c.879delA variant is predicted to result in a frameshift and premature protein termination (p.Ala294Leufs*14). This variant, along with a second ABCB4 variant (c.217C>G [p.Leu73Val]), has been reported in an individual with low phospholipid associated cholelithiasis (Poupon et al. 2013. PubMed ID: 23533021). This variant has not been reported in a large population database (gnomAD), indicating this variant is rare. Frameshift variants in ABCB4 are expected to be pathogenic. The c.879delA (p.Ala294Leufs*14) variant is interpreted as pathogenic.

Genomenon, Inc
Classification: Pathogenic for Low phospholipid associated cholelithiasis. Last evaluated: 2026-04-14. Review status: criteria provided, single submitter. Criteria: Genomenon Sequence Variant Interpretation Standards - Updated. Collection method: curation. Allele origin: germline. Affected: yes.
Comment: ABCB4 p.Ala294LeufsTer14 (c.879del) is a frameshift variant that results in the production of a truncated protein which is predicted to undergo nonsense-mediated mRNA decay. This variant has been observed in at least one proband with an ABCB4-related disorder (PMID:23533021). It is absent or not present at a significant frequency in gnomAD. In conclusion, we classify ABCB4 p.Ala294LeufsTer14 (c.879del) as a pathogenic variant.

Labcorp Genetics (formerly Invitae), Labcorp
Classification: Pathogenic. Last evaluated: 2025-04-28. Review status: criteria provided, single submitter. Criteria: Invitae Variant Classification Sherloc (09022015). Collection method: clinical testing. Allele origin: germline.
Comment: This sequence change creates a premature translational stop signal (p.Ala294Leufs*14) in the ABCB4 gene. It is expected to result in an absent or disrupted protein product. Loss-of-function variants in ABCB4 are known to be pathogenic (PMID: 17726488, 25755532). This variant is not present in population databases (gnomAD no frequency). This premature translational stop signal has been observed in individual(s) with low phospholipid associated cholelithiasis (PMID: 23533021). ClinVar contains an entry for this variant (Variation ID: 597760). Algorithms developed to predict the effect of sequence changes on RNA splicing suggest that this variant may disrupt the consensus splice site. For these reasons, this variant has been classified as Pathogenic.

Fulgent Genetics
Classification: Pathogenic for Low phospholipid associated cholelithiasis; Progressive familial intrahepatic cholestasis type 3; Cholestasis, intrahepatic, of pregnancy, 3. Last evaluated: 2024-02-15. Review status: criteria provided, single submitter. Criteria: ACMG Guidelines, 2015. Collection method: clinical testing. Allele origin: germline.

Eurofins Ntd Llc (ga)
Classification: Pathogenic. Last evaluated: 2018-06-20. Review status: criteria provided, single submitter. Criteria: EGL ClinVar v180209 classification definitions. Collection method: clinical testing. Allele origin: germline. Observed: 1 variant allele, 1 heterozygote.

Department of Genetics, Suzhou Beikang Medical Laboratory
Classification: Likely pathogenic for Cholestasis, intrahepatic, of pregnancy, 3; Progressive familial intrahepatic cholestasis type 3; Low phospholipid associated cholelithiasis. Last evaluated: 2024-10-31. Review status: no assertion criteria provided. Collection method: clinical testing. Allele origin: germline. Affected: no. Not counted in ClinVar's aggregate classification.
Comment: This sequence change creates a premature translational stop signal (p.Ala294Leufs*14) in the ABCB4 gene. It is expected to result in an absent or disrupted protein product. Loss-of-function variants in ABCB4 are known to be pathogenic (PMID: 21841779, 26827111). This variant is not present in population databases (gnomAD no frequency). This variant has not been reported in the literature in individuals affected with ABCB4-related conditions. ClinVar contains an entry for this variant (Variation ID: 597760). For these reasons, this variant has been classified as Likely pathogenic.

Literature cited by the submitters: PubMed 23533021 (cited by Genomenon, Inc and Labcorp Genetics (formerly Invitae), Labcorp); PubMed 17726488 (cited by Labcorp Genetics (formerly Invitae), Labcorp); PubMed 25755532 (cited by Labcorp Genetics (formerly Invitae), Labcorp).